The following is an entry in ClinVar:

ClinVar aggregate classification (germline): Uncertain significance (1 of 4 stars; one submission).

Submission:

GeneDx
Classification: Uncertain significance. Last evaluated: 2022-10-14. Review status: criteria provided, single submitter. Criteria: GeneDx Variant Classification Process June 2021. Collection method: clinical testing. Allele origin: germline. Affected: yes.
Comment: Not observed at significant frequency in large population cohorts (gnomAD); In silico analysis supports that this missense variant has a deleterious effect on protein structure/function; Has not been previously published as pathogenic or benign to our knowledge

NM_004958.4(MTOR):c.95G>A (p.Arg32Gln)

Gene: MTOR (mechanistic target of rapamycin kinase; minus strand). Cytogenetic location: 1p36.22.
Variant type: single nucleotide variant.
Coding change: c.95G>A on transcript NM_004958.4 (MANE Select); coding-DNA position 95, G replaced by A.
Protein change: p.Arg32Gln; replaces arginine 32 with glutamine.
Molecular consequence: missense variant. On other transcripts: 5 prime UTR variant (1).
Genome position (GRCh38, 1-based): chr1:11,259,315, C>T on the plus strand (G>A on the coding strand, the complement: MTOR is on the minus strand). VCF-style: chr1-11259315-C-T. GRCh37 (hg19) VCF-style: chr1-11319372-C-T.
Other names: c.95G>A, p.Arg32Gln (NM_001386500.1); c.-1045G>A (NM_001386501.1); short protein forms R32Q.
Identifiers: ClinVar variation 1710774 (VCV001710774.2), dbSNP rs2100986298, ClinGen allele CA338405306.
Genomic context (GRCh38, chr1:11,259,315, plus strand): 5'-AGTTCCATGGTGACATAGTGCTGGAGCTCCTTGGCGGCTTTGGCCCTGGTTTCCTCATTC[C>T]GGCTCTTTAGGCCACTGGCAAACTGCTGCAGGACGCTCACATTGCTAGATGTGGTGGCAG-3'
Protein context (NP_004949.1, residues 22-42): LQQFASGLKS[Arg32Gln]NEETRAKAAK